The following is an entry in ClinVar:

ClinVar aggregate classification (germline): Uncertain significance (1 of 4 stars; one submission).

Conditions:
Hereditary cancer-predisposing syndrome. Also called: Neoplastic Syndromes, Hereditary; Tumor predisposition; Hereditary Cancer Syndrome; Hereditary neoplastic syndrome. Identifiers: Orphanet 140162, MedGen C0027672, MeSH D009386, MONDO:0015356.

Submission:

Ambry Genetics
Classification: Uncertain significance for Hereditary cancer-predisposing syndrome. Last evaluated: 2026-04-22. Review status: criteria provided, single submitter. Criteria: Ambry Variant Classification Scheme 2023. Collection method: clinical testing. Allele origin: germline.
Comment: The p.D732E variant (also known as c.2196C>A), located in coding exon 12 of the ALK gene, results from a C to A substitution at nucleotide position 2196. The aspartic acid at codon 732 is replaced by glutamic acid, an amino acid with highly similar properties. This amino acid position is conserved. In addition, this alteration is predicted to be tolerated by in silico analysis. Based on the available evidence, the clinical significance of this variant remains unclear.

NM_004304.5(ALK):c.2196C>A (p.Asp732Glu)

Gene: ALK (ALK receptor tyrosine kinase; minus strand). Cytogenetic location: 2p23.2.
Variant type: single nucleotide variant.
Coding change: c.2196C>A on transcript NM_004304.5 (MANE Select); coding-DNA position 2196, C replaced by A.
Protein change: p.Asp732Glu; replaces aspartic acid 732 with glutamic acid.
Molecular consequence: missense variant.
Genome position (GRCh38, 1-based): chr2:29,251,113, G>T on the plus strand (C>A on the coding strand, the complement: ALK is on the minus strand). VCF-style: chr2-29251113-G-T. GRCh37 (hg19) VCF-style: chr2-29473979-G-T.
Other names: short protein forms D732E.
Identifiers: ClinVar variation 4870119 (VCV004870119.1).